The following is an entry in ClinVar:

ClinVar aggregate classification (germline): Likely benign. Review status: criteria provided, multiple submitters, no conflicts (2 of 4 stars). 3 submissions from 3 submitters: Likely benign (3). Last evaluated 2024-10-07.

Conditions:
Cardiomyopathy (CMYO). Also called: Cardiomyopathies. Identifiers: Orphanet 167848, MedGen C0878544, MONDO:0004994, HP:0001638. Inheritance: Various modes of inheritance.
Arrhythmogenic cardiomyopathy with wooly hair and keratoderma. Also called: Carvajal syndrome; Arrhythmogenic cardiomyopathy with woolly hair and keratoderma; Dilated cardiomyopathy with woolly hair and keratoderma; PALMOPLANTAR KERATODERMA WITH LEFT VENTRICULAR CARDIOMYOPATHY AND WOOLLY HAIR. Identifiers: Orphanet 65282, MedGen C1854063, MONDO:0011581, OMIM 605676.
Arrhythmogenic right ventricular dysplasia 8 (ARVD8). Also called: Arrhythmogenic Right Ventricular Dysplasia/Cardiomyopathy 8; ARRHYTHMOGENIC RIGHT VENTRICULAR CARDIOMYOPATHY 8; ARRHYTHMOGENIC RIGHT VENTRICULAR DYSPLASIA, FAMILIAL, 8. Identifiers: MedGen C1843896, MONDO:0011831, OMIM 607450.

Allele frequency attached by ClinVar (database versions not stated): gnomAD exomes below 0.00001 and 0.00001; TOPMed below 0.00001; ExAC 0.00001.
gnomAD v4.1: 15 of 1,614,166 alleles (0.00093%); highest among the groups gnomAD compares: Admixed American, 0.0017%; no homozygotes.

Submissions (3):

Labcorp Genetics (formerly Invitae), Labcorp
Classification: Likely benign for Arrhythmogenic cardiomyopathy with wooly hair and keratoderma; Arrhythmogenic right ventricular dysplasia 8. Last evaluated: 2024-10-07. Review status: criteria provided, single submitter. Criteria: Invitae Variant Classification Sherloc (09022015). Collection method: clinical testing. Allele origin: germline.

All of Us Research Program, National Institutes of Health
Classification: Likely benign for Arrhythmogenic cardiomyopathy with wooly hair and keratoderma. Last evaluated: 2024-07-20. Review status: criteria provided, single submitter. Criteria: ACMG Guidelines, 2015. Collection method: clinical testing. Allele origin: germline. Inheritance: Autosomal dominant inheritance. Observed: 1 variant allele, 1 heterozygote.
Comment: This study involves interpretation of variants in research participants for the purpose of population health screening. Participant phenotype was not available at the time of variant classification. Additional details can be found in publication PMID: 35346344, PMCID: PMC8962531

Color Diagnostics, LLC DBA Color Health
Classification: Likely benign for Cardiomyopathy. Last evaluated: 2022-10-10. Review status: criteria provided, single submitter. Criteria: ACMG Guidelines, 2015. Collection method: clinical testing. Allele origin: germline.

NM_004415.4(DSP):c.2412G>A (p.Val804=)

Gene: DSP (desmoplakin; plus strand). Cytogenetic location: 6p24.3.
Variant type: single nucleotide variant.
Coding change: c.2412G>A on transcript NM_004415.4 (MANE Select); coding-DNA position 2412, G replaced by A.
Protein change: p.Val804=; no amino-acid change (valine 804 retained).
Molecular consequence: synonymous variant.
Genome position (GRCh38, 1-based): chr6:7,574,771, G>A. VCF-style: chr6-7574771-G-A. GRCh37 (hg19) VCF-style: chr6-7575004-G-A.
Other names: c.2412G>A, p.Val804= (NM_001008844.3, NM_001319034.2).
Identifiers: ClinVar variation 1083160 (VCV001083160.12), dbSNP rs773330932, ClinGen allele CA033132.